The following is an entry in ClinVar:

ClinVar aggregate classification (germline): Uncertain significance (1 of 4 stars; one submission).

Conditions:
Noonan syndrome 9 (NS9). Identifiers: Orphanet 648, MedGen C4225282, MONDO:0014691, OMIM 616559.

Submission:

Labcorp Genetics (formerly Invitae), Labcorp
Classification: Uncertain significance for Noonan syndrome 9. Last evaluated: 2022-10-31. Review status: criteria provided, single submitter. Criteria: Invitae Variant Classification Sherloc (09022015). Collection method: clinical testing. Allele origin: germline.
Comment: This variant is not present in population databases (gnomAD no frequency). This variant has not been reported in the literature in individuals affected with SOS2-related conditions. Advanced modeling of protein sequence and biophysical properties (such as structural, functional, and spatial information, amino acid conservation, physicochemical variation, residue mobility, and thermodynamic stability) performed at Invitae indicates that this missense variant is not expected to disrupt SOS2 protein function. In summary, the available evidence is currently insufficient to determine the role of this variant in disease. Therefore, it has been classified as a Variant of Uncertain Significance. This sequence change replaces serine, which is neutral and polar, with arginine, which is basic and polar, at codon 1101 of the SOS2 protein (p.Ser1101Arg).

NM_006939.4(SOS2):c.3301A>C (p.Ser1101Arg)

Gene: SOS2 (SOS Ras/Rho guanine nucleotide exchange factor 2; minus strand). Cytogenetic location: 14q21.3.
Variant type: single nucleotide variant.
Coding change: c.3301A>C on transcript NM_006939.4 (MANE Select); coding-DNA position 3301, A replaced by C.
Protein change: p.Ser1101Arg; replaces serine 1101 with arginine.
Molecular consequence: missense variant.
Genome position (GRCh38, 1-based): chr14:50,130,537, T>G on the plus strand (A>C on the coding strand, the complement: SOS2 is on the minus strand). VCF-style: chr14-50130537-T-G. GRCh37 (hg19) VCF-style: chr14-50597255-T-G.
Other names: c.3202A>C, p.Ser1068Arg (NM_001411020.1); short protein forms S1068R, S1101R.
Identifiers: ClinVar variation 2811039 (VCV002811039.3), dbSNP rs2502824735, ClinGen allele CA389640411.